The following is an entry in ClinVar:

NM_203447.4(DOCK8):c.3123A>C (p.Glu1041Asp)

Gene: DOCK8 (dedicator of cytokinesis 8; plus strand). Cytogenetic location: 9p24.3.
Variant type: single nucleotide variant.
Coding change: c.3123A>C on transcript NM_203447.4 (MANE Select); coding-DNA position 3123, A replaced by C.
Protein change: p.Glu1041Asp; replaces glutamic acid 1041 with aspartic acid.
Molecular consequence: missense variant.
Genome position (GRCh38, 1-based): chr9:399,148, A>C. VCF-style: chr9-399148-A-C. GRCh37 (hg19) VCF-style: chr9-399148-A-C.
Other names: c.2823A>C, p.Glu941Asp (NM_001190458.2); c.2919A>C, p.Glu973Asp (NM_001193536.2); short protein forms E973D, E1041D, E941D.
Identifiers: ClinVar variation 949173 (VCV000949173.12), dbSNP rs377274335, ClinGen allele CA4958528.

ClinVar aggregate classification (germline): Uncertain significance. Review status: criteria provided, multiple submitters, no conflicts (2 of 4 stars). 2 submissions from 2 submitters: Uncertain significance (2). Last evaluated 2025-12-23.

Conditions:
Inborn genetic diseases. Identifiers: MedGen C0950123, MeSH D030342.
Combined immunodeficiency due to DOCK8 deficiency (HIES2). Also called: DOCK8 Deficiency; HIES autosomal recessive; HYPER-IgE RECURRENT INFECTION SYNDROME 2, AUTOSOMAL RECESSIVE; HYPER-IgE SYNDROME 2, AUTOSOMAL RECESSIVE, WITH RECURRENT INFECTIONS; Hyper-IgE recurrent infection syndrome, autosomal recessive. Identifiers: Orphanet 217390, MedGen C4722305, MONDO:0009478, OMIM 243700.

Allele frequency attached by ClinVar (database versions not stated): gnomAD exomes 0.00002 and 0.00003; TOPMed 0.00002; ExAC 0.00007; ESP Exome Variant Server 0.00008.
gnomAD v4.1: 25 of 1,613,950 alleles (0.0015%); highest among the groups gnomAD compares: African/African-American, 0.0027%; no homozygotes.

Submissions (2):

Labcorp Genetics (formerly Invitae), Labcorp
Classification: Uncertain significance for Combined immunodeficiency due to DOCK8 deficiency. Last evaluated: 2025-12-23. Review status: criteria provided, single submitter. Criteria: Invitae Variant Classification Sherloc (09022015). Collection method: clinical testing. Allele origin: germline.
Comment: This sequence change replaces glutamic acid, which is acidic and polar, with aspartic acid, which is acidic and polar, at codon 1041 of the DOCK8 protein (p.Glu1041Asp). This variant is present in population databases (rs377274335, gnomAD 0.006%). This variant has not been reported in the literature in individuals affected with DOCK8-related conditions. ClinVar contains an entry for this variant (Variation ID: 949173). An algorithm developed to predict the effect of missense changes on protein structure and function (PolyPhen-2) suggests that this variant is likely to be disruptive. In summary, the available evidence is currently insufficient to determine the role of this variant in disease. Therefore, it has been classified as a Variant of Uncertain Significance.

Ambry Genetics
Classification: Uncertain significance for Inborn genetic diseases. Last evaluated: 2023-08-15. Review status: criteria provided, single submitter. Criteria: Ambry Variant Classification Scheme 2023. Collection method: clinical testing. Allele origin: germline.